The following is an entry in ClinVar:

NM_033305.3(VPS13A):c.6385G>T (p.Glu2129Ter)

Gene: VPS13A (vacuolar protein sorting 13 homolog A; plus strand). Cytogenetic location: 9q21.2.
Variant type: single nucleotide variant.
Coding change: c.6385G>T on transcript NM_033305.3 (MANE Select); coding-DNA position 6385, G replaced by T.
Protein change: p.Glu2129Ter; replaces glutamic acid 2129 with a stop codon.
Molecular consequence: nonsense.
Genome position (GRCh38, 1-based): chr9:77,339,522, G>T. VCF-style: chr9-77339522-G-T. GRCh37 (hg19) VCF-style: chr9-79954438-G-T.
Other names: c.6268G>T, p.Glu2090Ter (NM_001018037.2); c.6385G>T, p.Glu2129Ter (NM_001018038.3, NM_015186.4); short protein forms E2090*, E2129*.
Identifiers: ClinVar variation 4816412 (VCV004816412.1).
Genomic context (GRCh38, chr9:77,339,522, plus strand): 5'-ATATTATTCTGCAACATTTTAAATTTTGTTTTGTTTTTTTTTTTTTTATTACAGGGAATT[G>T]AAAATTCGGTTTTTACTCTAAGTGAAGGACATTCAGCCCAGATTTGTACTGCACAGTTGG-3'

ClinVar aggregate classification (germline): Likely pathogenic (1 of 4 stars; one submission).

Conditions:
VPS13A-related neurodegenerative disease. Also called: LEVINE-CRITCHLEY SYNDROME; Choreoacanthocytosis; Chorea-acanthocytosis; ACANTHOCYTOSIS WITH NEUROLOGIC DISORDER; VPS13A Disease; Choreaacanthocytosis. Identifiers: Orphanet 2388, MedGen C0393576, MONDO:0008695, OMIM 200150.

Submission:

Natera, Inc.
Classification: Likely pathogenic for Choreaacanthocytosis. Last evaluated: 2024-08-02. Review status: criteria provided, single submitter. Criteria: Natera Variant Classification Schema (03/2026). Collection method: clinical testing. Allele origin: germline.
Comment: The c.6385G>T variant in VPS13A is a nonsense variant predicted to introduce a stop codon at amino acid 2129. This variant is expected to result in nonsense mediated decay, truncation, or a dysfunctional protein product. This variant is rare in the general population with a frequency below the threshold expected for the associated phenotype(s). Given the available evidence, this variant is classified as Likely Pathogenic.